The following is an entry in ClinVar:

ClinVar aggregate classification (germline): Likely benign. Review status: criteria provided, multiple submitters, no conflicts (2 of 4 stars). 2 submissions from 2 submitters: Likely benign (2). Last evaluated 2023-10-06.

Conditions:
Inborn genetic diseases. Identifiers: MedGen C0950123, MeSH D030342.

Allele frequency attached by ClinVar (database versions not stated): gnomAD exomes 0.00002; gnomAD 0.00003; TOPMed 0.00003; ExAC 0.00004.

Submissions (2):

Ambry Genetics
Classification: Likely benign for Inborn genetic diseases. Last evaluated: 2023-10-06. Review status: criteria provided, single submitter. Criteria: Ambry Variant Classification Scheme 2023. Collection method: clinical testing. Allele origin: germline.

CeGaT Center for Human Genetics Tuebingen
Classification: Likely benign. Last evaluated: 2023-10-01. Review status: criteria provided, single submitter. Criteria: CeGaT Center For Human Genetics Tuebingen Variant Classification Criteria Version 2. Collection method: clinical testing. Allele origin: germline. Affected: yes. Observed: 1 variant allele.
Comment: SETD1B: PP2, BP4, BS1

NM_001353345.2(SETD1B):c.3458C>T (p.Thr1153Met)

Gene: SETD1B (SET domain containing 1B, histone lysine methyltransferase; plus strand). Cytogenetic location: 12q24.31.
Variant type: single nucleotide variant.
Coding change: c.3458C>T on transcript NM_001353345.2 (MANE Select); coding-DNA position 3458, C replaced by T.
Protein change: p.Thr1153Met; replaces threonine 1153 with methionine.
Molecular consequence: missense variant.
Genome position (GRCh38, 1-based): chr12:121,819,443, C>T. VCF-style: chr12-121819443-C-T. GRCh37 (hg19) VCF-style: chr12-122257349-C-T.
Other names: NM_015048.1:c.3329C>T; short protein forms T1153M.
Identifiers: ClinVar variation 2643463 (VCV002643463.25), dbSNP rs750392110, ClinGen allele CA6839074.